The following is an entry in ClinVar:

NM_001374353.1(GLI2):c.2404G>A (p.Val802Met)

Gene: GLI2 (GLI family zinc finger 2; plus strand). Cytogenetic location: 2q14.2.
Variant type: single nucleotide variant.
Coding change: c.2404G>A on transcript NM_001374353.1 (MANE Select); coding-DNA position 2404, G replaced by A.
Protein change: p.Val802Met; replaces valine 802 with methionine.
Molecular consequence: missense variant.
Genome position (GRCh38, 1-based): chr2:120,988,369, G>A. VCF-style: chr2-120988369-G-A. GRCh37 (hg19) VCF-style: chr2-121745945-G-A.
Other names: c.2455G>A, p.Val819Met (NM_001371271.1, NM_005270.5); c.2029G>A, p.Val677Met (NM_001374354.1); c.2455G>A (NM_005270.4); short protein forms V677M, V802M, V819M.
Identifiers: ClinVar variation 978571 (VCV000978571.3), dbSNP rs985023327, ClinGen allele CA54381456.

ClinVar aggregate classification (germline): Uncertain significance. Review status: criteria provided, multiple submitters, no conflicts (2 of 4 stars). 3 submissions from 3 submitters: Uncertain significance (2). 1 of the submissions does not count toward it. Last evaluated 2022-05-23.

Conditions:
GLI2-related disorder. Also called: GLI2-related disorders; GLI2-related condition.
Pituitary stalk interruption syndrome. Identifiers: Orphanet 95496, MedGen C4053775, MONDO:0019828.

Allele frequency attached by ClinVar (database versions not stated): gnomAD exomes below 0.00001; TOPMed 0.00001.
gnomAD v4.1: 1 of 1,568,500 alleles (0.000064%); highest among the groups gnomAD compares: Non-Finnish European, 0.000086%; no homozygotes.

Submissions (3):

GeneDx
Classification: Uncertain significance. Last evaluated: 2022-05-23. Review status: criteria provided, single submitter. Criteria: GeneDx Variant Classification Process June 2021. Collection method: clinical testing. Allele origin: germline. Affected: yes.
Comment: Reported in an individual with pituitary stalk interruption syndrome, but familial segregation was not provided and this individual was reported to have other potentially causative variants in other genes (Brauner et al., 2020); Not observed at significant frequency in large population cohorts (gnomAD); In silico analysis supports that this missense variant does not alter protein structure/function; This variant is associated with the following publications: (PMID: 34921505, 33270637)

Human Developmental Genetics, Institut Pasteur
Classification: Uncertain significance for Pituitary stalk interruption syndrome. Last evaluated: 2020-04-01. Review status: criteria provided, single submitter. Criteria: ACMG Guidelines, 2015. Collection method: research. Allele origin: unknown. Affected: yes.

PreventionGenetics, part of Exact Sciences
Classification: Uncertain significance for GLI2-related condition. Last evaluated: 2024-08-28. Review status: no assertion criteria provided. Collection method: clinical testing. Allele origin: germline. Not counted in ClinVar's aggregate classification.
Comment: The GLI2 c.2455G>A variant is predicted to result in the amino acid substitution p.Val819Met. This variant was reported in an individual with pituitary stalk interruption syndrome; however, this individual also carried additional variants in genes associated with pituitary function (Brauner et al. 2020. PubMed ID: 33270637). This variant is reported in 0.0012% of alleles in individuals of European (Non-Finnish) descent in gnomAD. At this time, the clinical significance of this variant is uncertain due to the absence of conclusive functional and genetic evidence.